The following is an entry in ClinVar:

ClinVar aggregate classification (germline): Uncertain significance. Review status: criteria provided, multiple submitters, no conflicts (2 of 4 stars). 2 submissions from 2 submitters: Uncertain significance (2). Last evaluated 2023-10-18.

Conditions:
Bethlem myopathy 1A. Also called: Bethlem Muscular Dystrophy; MYOPATHY, BENIGN CONGENITAL, WITH CONTRACTURES; Bethlem myopathy 1. Identifiers: Orphanet 610, MedGen CN029274, MONDO:0024530, OMIM 158810.

Allele frequency attached by ClinVar (database versions not stated): TOPMed below 0.00001; gnomAD 0.00001; gnomAD exomes 0.00001; ExAC 0.00002.
gnomAD v4.1: 7 of 1,614,094 alleles (0.00043%); highest among the groups gnomAD compares: Non-Finnish European, 0.00059%; no homozygotes.

Submissions (2):

GeneDx
Classification: Uncertain significance. Last evaluated: 2023-10-18. Review status: criteria provided, single submitter. Criteria: GeneDx Variant Classification Process June 2021. Collection method: clinical testing. Allele origin: germline. Affected: yes.
Comment: Not observed at significant frequency in large population cohorts (gnomAD); In silico analysis supports that this missense variant does not alter protein structure/function; Has not been previously published as pathogenic or benign to our knowledge

Labcorp Genetics (formerly Invitae), Labcorp
Classification: Uncertain significance for Bethlem myopathy 1A. Last evaluated: 2022-08-31. Review status: criteria provided, single submitter. Criteria: Invitae Variant Classification Sherloc (09022015). Collection method: clinical testing. Allele origin: germline.
Comment: This variant is present in population databases (rs767993846, gnomAD 0.002%). This variant has not been reported in the literature in individuals affected with COL6A3-related conditions. ClinVar contains an entry for this variant (Variation ID: 1015259). Advanced modeling of protein sequence and biophysical properties (such as structural, functional, and spatial information, amino acid conservation, physicochemical variation, residue mobility, and thermodynamic stability) performed at Invitae indicates that this missense variant is not expected to disrupt COL6A3 protein function. In summary, the available evidence is currently insufficient to determine the role of this variant in disease. Therefore, it has been classified as a Variant of Uncertain Significance. This sequence change replaces valine, which is neutral and non-polar, with alanine, which is neutral and non-polar, at codon 260 of the COL6A3 protein (p.Val260Ala).

NM_004369.4(COL6A3):c.779T>C (p.Val260Ala)

Gene: COL6A3 (collagen type VI alpha 3 chain; minus strand). Cytogenetic location: 2q37.3.
Variant type: single nucleotide variant.
Coding change: c.779T>C on transcript NM_004369.4 (MANE Select); coding-DNA position 779, T replaced by C.
Protein change: p.Val260Ala; replaces valine 260 with alanine.
Molecular consequence: missense variant. On other transcripts: intron variant (2).
Genome position (GRCh38, 1-based): chr2:237,388,115, A>G on the plus strand (T>C on the coding strand, the complement: COL6A3 is on the minus strand). VCF-style: chr2-237388115-A-G. GRCh37 (hg19) VCF-style: chr2-238296758-A-G.
Other names: c.779T>C (NM_004369.3); c.161T>C, p.Val54Ala (NM_057165.5, NM_057167.4); c.92-6616T>C (NM_057166.5, NM_057164.5); short protein forms V260A, V54A.
Identifiers: ClinVar variation 1015259 (VCV001015259.10), dbSNP rs767993846, ClinGen allele CA2189777.
Genomic context (GRCh38, chr2:237,388,115, plus strand): 5'-CGGATCTGCTGAGTTCCAATTGGGAGTTTCTCAAGGAGATTTACAAGGAAGTCGAGAATG[A>G]CTGCGAAATTGACACTTCCGGTGTTGTTTGATCCATCAATAAGGAAAATAATGTCAGCAG-3'
Protein context (NP_004360.2, residues 250-270): SNNTGSVNFA[Val260Ala]ILDFLVNLLE